The following is an entry in ClinVar:

NM_025132.4(WDR19):c.812del (p.Ala271fs)

Gene: WDR19 (WD repeat domain 19; plus strand). Cytogenetic location: 4p14.
Variant type: Deletion.
Coding change: c.812del on transcript NM_025132.4 (MANE Select); coding-DNA position 812, one base deleted (C; older notation c.812delC).
Protein change: p.Ala271fs; shifts the reading frame from alanine 271.
Molecular consequence: frameshift variant.
Genome position (GRCh38, 1-based): chr4:39,205,658, C deleted. VCF-style (leftmost placement, unchanged base first): chr4-39205657-GC-G. GRCh37 (hg19) VCF-style: chr4-39207277-GC-G.
Other names: c.332del, p.Ala111fs (NM_001317924.2); short protein forms A271fs, A111fs.
Identifiers: ClinVar variation 2148838 (VCV002148838.5), dbSNP rs1340305839, ClinGen allele CA551140069.
Genomic context (GRCh38, chr4:39,205,657, plus strand): 5'-TGTGGACATTTTGTGGTCATTTCTACTCATACTGGAGAGCTTGGTCAAGAGATATTTCAG[GC>G]TCGTAACCATAAAGATAATCTAACCAGCATTGCAGTATCACAGACTCTTAACAAAGTTGC-3'

ClinVar aggregate classification (germline): Pathogenic/Likely pathogenic. Review status: criteria provided, multiple submitters, no conflicts (2 of 4 stars). 2 submissions from 2 submitters: Pathogenic (1); Likely pathogenic (1). Last evaluated 2022-05-14.

Conditions:
Senior-Loken syndrome 8 (SLSN8). Identifiers: Orphanet 3156, MedGen C4225376, MONDO:0014579, OMIM 616307.
Asphyxiating thoracic dystrophy 5 (SRTD5). Also called: SHORT-RIB THORACIC DYSPLASIA 5 WITH OR WITHOUT POLYDACTYLY; SHORT-RIB THORACIC DYSPLASIA 5 WITHOUT POLYDACTYLY. Identifiers: Orphanet 474, MedGen C3280598, MONDO:0013717, OMIM 614376.
WDR19-related disorder. Also called: WDR19-related condition; WDR19-related disorders. Identifiers: MedGen CN380161.

Allele frequency attached by ClinVar (database versions not stated): gnomAD 0.00001; gnomAD exomes 0.00001; TOPMed 0.00001.

Submissions (2):

Labcorp Genetics (formerly Invitae), Labcorp
Classification: Pathogenic for Senior-Loken syndrome 8; Asphyxiating thoracic dystrophy 5. Last evaluated: 2022-05-14. Review status: criteria provided, single submitter. Criteria: Invitae Variant Classification Sherloc (09022015). Collection method: clinical testing. Allele origin: germline.
Comment: This variant has not been reported in the literature in individuals affected with WDR19-related conditions. For these reasons, this variant has been classified as Pathogenic. This variant is present in population databases (no rsID available, gnomAD 0.004%). This sequence change creates a premature translational stop signal (p.Ala271Valfs*8) in the WDR19 gene. It is expected to result in an absent or disrupted protein product. Loss-of-function variants in WDR19 are known to be pathogenic (PMID: 22019273, 23559409, 23683095, 26275793, 27241786, 29068549).

Blueprint Genetics
Classification: Likely pathogenic for WDR19-related disorders. Last evaluated: 2019-12-28. Review status: criteria provided, single submitter. Criteria: ACMG Guidelines, 2015. Collection method: clinical testing. Allele origin: germline. Affected: yes. Observed: 2 variant alleles.

Literature cited by the submitters: PubMed 22019273 (cited by Labcorp Genetics (formerly Invitae), Labcorp); PubMed 23559409 (cited by Labcorp Genetics (formerly Invitae), Labcorp); PubMed 23683095 (cited by Labcorp Genetics (formerly Invitae), Labcorp); PubMed 26275793 (cited by Labcorp Genetics (formerly Invitae), Labcorp); PubMed 27241786 (cited by Labcorp Genetics (formerly Invitae), Labcorp); PubMed 29068549 (cited by Labcorp Genetics (formerly Invitae), Labcorp).